The following is an entry in ClinVar:

ClinVar aggregate classification (germline): Uncertain significance. Review status: criteria provided, multiple submitters, no conflicts (2 of 4 stars). 2 submissions from 2 submitters: Uncertain significance (2). Last evaluated 2025-07-07.

Conditions:
Pheochromocytoma. Also called: MAX-Related Hereditary Paraganglioma-Pheochromocytoma Syndrome. Identifiers: Orphanet 29072, MedGen C0031511, MONDO:0008233, OMIM 171300, HP:0002666.
Carney-Stratakis syndrome. Also called: PARAGANGLIOMA AND GASTROINTESTINAL STROMAL TUMOR. Identifiers: Orphanet 97286, MedGen C1847319, MONDO:0011740, OMIM 606864.
Paragangliomas with sensorineural hearing loss. Identifiers: MedGen C1868633.
Cowden syndrome 3 (CWS3). Identifiers: Orphanet 201, MedGen CN166604, MONDO:0014045.

Submissions (2):

GeneDx
Classification: Uncertain significance. Last evaluated: 2025-07-07. Review status: criteria provided, single submitter. Criteria: GeneDx Variant Classification Process June 2021. Collection method: clinical testing. Allele origin: germline. Affected: yes.
Comment: Not observed at significant frequency in large population cohorts (gnomAD); In silico analysis supports that this missense variant has a deleterious effect on protein structure/function; Has not been previously published as pathogenic or benign to our knowledge; Also known as p.(S7P)

Labcorp Genetics (formerly Invitae), Labcorp
Classification: Uncertain significance for Carney-Stratakis syndrome; Paragangliomas with sensorineural hearing loss; Pheochromocytoma; Cowden syndrome 3. Last evaluated: 2024-03-14. Review status: criteria provided, single submitter. Criteria: Invitae Variant Classification Sherloc (09022015). Collection method: clinical testing. Allele origin: germline.
Comment: This sequence change replaces serine, which is neutral and polar, with proline, which is neutral and non-polar, at codon 63 of the SDHD protein (p.Ser63Pro). This variant is not present in population databases (gnomAD no frequency). This variant has not been reported in the literature in individuals affected with SDHD-related conditions. Advanced modeling of protein sequence and biophysical properties (such as structural, functional, and spatial information, amino acid conservation, physicochemical variation, residue mobility, and thermodynamic stability) has been performed at Invitae for this missense variant, however the output from this modeling did not meet the statistical confidence thresholds required to predict the impact of this variant on SDHD protein function. In summary, the available evidence is currently insufficient to determine the role of this variant in disease. Therefore, it has been classified as a Variant of Uncertain Significance.

NM_003002.4(SDHD):c.187T>C (p.Ser63Pro)

Gene: SDHD (succinate dehydrogenase complex subunit D; plus strand). Cytogenetic location: 11q23.1.
Variant type: single nucleotide variant.
Coding change: c.187T>C on transcript NM_003002.4 (MANE Select); coding-DNA position 187, T replaced by C.
Protein change: p.Ser63Pro; replaces serine 63 with proline.
Molecular consequence: missense variant. On other transcripts: non-coding transcript variant (1), intron variant (1).
Genome position (GRCh38, 1-based): chr11:112,088,884, T>C. VCF-style: chr11-112088884-T-C. GRCh37 (hg19) VCF-style: chr11-111959608-T-C.
Other names: c.187T>C (NM_003002.2); c.70T>C, p.Ser24Pro (NM_001276504.2); c.187T>C, p.Ser63Pro (NM_001276506.2); c.169+911T>C (NM_001276503.2); short protein forms S24P, S63P.
Identifiers: ClinVar variation 3755285 (VCV003755285.3).
Genomic context (GRCh38, chr11:112,088,884, plus strand): 5'-GTGTTTCTCACATCAACTTTTATGAATCTGGTCCTTTTTGTAGCTGGCTCCAAGGCTGCA[T>C]CTCTCCACTGGACTAGCGAGAGGGTTGTCAGTGTTTTGCTCCTGGGTCTGCTTCCGGCTG-3'
Protein context (NP_002993.1, residues 53-73): PSHHSGSKAA[Ser63Pro]LHWTSERVVS